The following is an entry in ClinVar:

NM_001382430.1(AKT1):c.439A>G (p.Met147Val)

Gene: AKT1 (AKT serine/threonine kinase 1; minus strand). Cytogenetic location: 14q32.33.
Variant type: single nucleotide variant.
Coding change: c.439A>G on transcript NM_001382430.1 (MANE Select); coding-DNA position 439, A replaced by G.
Protein change: p.Met147Val; replaces methionine 147 with valine.
Molecular consequence: missense variant.
Genome position (GRCh38, 1-based): chr14:104,775,204, T>C on the plus strand (A>G on the coding strand, the complement: AKT1 is on the minus strand). VCF-style: chr14-104775204-T-C. GRCh37 (hg19) VCF-style: chr14-105241541-T-C.
Other names: c.439A>G, p.Met147Val (NM_001014431.2, NM_001014432.2, NM_001382431.1 and 3 more transcripts); short protein forms M147V.
Identifiers: ClinVar variation 3282987 (VCV003282987.1).

ClinVar aggregate classification (germline): Uncertain significance (1 of 4 stars; one submission).

Conditions:
Inborn genetic diseases. Identifiers: MedGen C0950123, MeSH D030342.

Submission:

Ambry Genetics
Classification: Uncertain significance for Inborn genetic diseases. Last evaluated: 2024-04-27. Review status: criteria provided, single submitter. Criteria: Ambry Variant Classification Scheme 2023. Collection method: clinical testing. Allele origin: germline.
Comment: The p.M147V variant (also known as c.439A>G), located in coding exon 5 of the AKT1 gene, results from an A to G substitution at nucleotide position 439. The methionine at codon 147 is replaced by valine, an amino acid with highly similar properties. This amino acid position is conserved. In addition, the in silico prediction for this alteration is inconclusive. Based on the available evidence, the clinical significance of this variant remains unclear.